The following is an entry in ClinVar:

ClinVar aggregate classification (germline): Uncertain significance. Review status: criteria provided, multiple submitters, no conflicts (2 of 4 stars). 2 submissions from 2 submitters: Uncertain significance (2). Last evaluated 2024-07-06.

Conditions:
Gastrointestinal stromal tumor. Also called: Gastrointestinal stroma tumor; Gastrointestinal stromal tumor, somatic. Identifiers: Orphanet 44890, MedGen C0238198, MeSH D046152, MONDO:0011719, OMIM 606764, HP:0100723.
Hereditary cancer-predisposing syndrome. Also called: Tumor predisposition; Hereditary neoplastic syndrome; Neoplastic Syndromes, Hereditary; Hereditary Cancer Syndrome. Identifiers: Orphanet 140162, MedGen C0027672, MeSH D009386, MONDO:0015356.

Allele frequency attached by ClinVar (database versions not stated): gnomAD exomes below 0.00001.
gnomAD v4.1: 1 of 1,613,846 alleles (0.000062%); highest among the groups gnomAD compares: Non-Finnish European, 0.000085%; no homozygotes.

Submissions (2):

Ambry Genetics
Classification: Uncertain significance for Hereditary cancer-predisposing syndrome. Last evaluated: 2024-07-06. Review status: criteria provided, single submitter. Criteria: Ambry Variant Classification Scheme 2023. Collection method: clinical testing. Allele origin: germline.
Comment: The p.A603V variant (also known as c.1808C>T), located in coding exon 12 of the PDGFRA gene, results from a C to T substitution at nucleotide position 1808. The alanine at codon 603 is replaced by valine, an amino acid with similar properties. This amino acid position is conserved. In addition, this alteration is predicted to be deleterious by in silico analysis. Based on the available evidence, the clinical significance of this variant remains unclear.

Labcorp Genetics (formerly Invitae), Labcorp
Classification: Uncertain significance for Gastrointestinal stromal tumor. Last evaluated: 2024-06-02. Review status: criteria provided, single submitter. Criteria: Invitae Variant Classification Sherloc (09022015). Collection method: clinical testing. Allele origin: germline.
Comment: This sequence change replaces alanine, which is neutral and non-polar, with valine, which is neutral and non-polar, at codon 603 of the PDGFRA protein (p.Ala603Val). This variant is not present in population databases (gnomAD no frequency). This variant has not been reported in the literature in individuals affected with PDGFRA-related conditions. ClinVar contains an entry for this variant (Variation ID: 459023). Advanced modeling of protein sequence and biophysical properties (such as structural, functional, and spatial information, amino acid conservation, physicochemical variation, residue mobility, and thermodynamic stability) performed at Invitae indicates that this missense variant is not expected to disrupt PDGFRA protein function with a negative predictive value of 80%. In summary, the available evidence is currently insufficient to determine the role of this variant in disease. Therefore, it has been classified as a Variant of Uncertain Significance.

NM_006206.6(PDGFRA):c.1808C>T (p.Ala603Val)

Gene: PDGFRA (platelet derived growth factor receptor alpha; plus strand). Cytogenetic location: 4q12.
Variant type: single nucleotide variant.
Coding change: c.1808C>T on transcript NM_006206.6 (MANE Select); coding-DNA position 1808, C replaced by T.
Protein change: p.Ala603Val; replaces alanine 603 with valine.
Molecular consequence: missense variant.
Genome position (GRCh38, 1-based): chr4:54,277,409, C>T. VCF-style: chr4-54277409-C-T. GRCh37 (hg19) VCF-style: chr4-55143576-C-T.
Other names: c.1808C>T, p.Ala603Val (NM_001347827.2, NM_001347829.2); c.1883C>T, p.Ala628Val (NM_001347828.2); c.1847C>T, p.Ala616Val (NM_001347830.2); short protein forms A603V, A616V, A628V.
Identifiers: ClinVar variation 459023 (VCV000459023.11), dbSNP rs1553904813, ClinGen allele CA356893368.
Genomic context (GRCh38, chr4:54,277,409, plus strand): 5'-CTGGAGTTTTTGGGTGTTAATGATTCTGCCTGCCCACAGGTCGGGTCTTGGGGTCTGGAG[C>T]GTTTGGGAAGGTGGTTGAAGGAACAGCCTATGGATTAAGCCGGTCCCAACCTGTCATGAA-3'
Protein context (NP_006197.1, residues 593-613): LVLGRVLGSG[Ala603Val]FGKVVEGTAY